The following is an entry in ClinVar:

NM_001042492.3(NF1):c.1129del (p.Ile377fs)

Gene: NF1 (neurofibromin 1; plus strand). Cytogenetic location: 17q11.2.
Variant type: Deletion.
Coding change: c.1129del on transcript NM_001042492.3 (MANE Select); coding-DNA position 1129, one base deleted (A; older notation c.1129delA).
Protein change: p.Ile377fs; shifts the reading frame from isoleucine 377.
Molecular consequence: frameshift variant.
Genome position (GRCh38, 1-based): chr17:31,201,103, A deleted. VCF-style (leftmost placement, unchanged base first): chr17-31201102-GA-G. GRCh37 (hg19) VCF-style: chr17-29528120-GA-G.
Other names: c.1129delA, p.Ile377Leufs (NM_000267.4); c.1129del, p.Ile377fs (NM_001128147.3); short protein forms I377fs.
Identifiers: ClinVar variation 3360819 (VCV003360819.2).
Genomic context (GRCh38, chr17:31,201,102, plus strand): 5'-GCTTTTTAATCCAAGTAAGCCATTCTCAAGAGGCAGTCAGCCTGCAGATGTGGATCTAAT[GA>G]TTGACTGCCTTGTTTCTTGCTTTCGTATAAGCCCTCACAACAACCAACACTTTAAGGTGA-3'

ClinVar aggregate classification (germline): Pathogenic (1 of 4 stars; one submission).

Submission:

GeneDx
Classification: Pathogenic. Last evaluated: 2025-08-17. Review status: criteria provided, single submitter. Criteria: GeneDx Variant Classification Process June 2021. Collection method: clinical testing. Allele origin: germline.
Comment: Frameshift variant predicted to result in protein truncation or nonsense mediated decay in a gene for which loss of function is a known mechanism of disease; Not observed at significant frequency in large population cohorts (gnomAD); Has not been previously published as pathogenic or benign to our knowledge